The following is an entry in ClinVar:

ClinVar aggregate classification (germline): Likely benign (0 of 4 stars; one submission).

Conditions:
INPP5E-related disorder. Also called: INPP5E-related condition.

Submission:

PreventionGenetics, part of Exact Sciences
Classification: Likely benign for INPP5E-related condition. Last evaluated: 2022-06-21. Review status: no assertion criteria provided. Collection method: clinical testing. Allele origin: germline.
Comment: This variant is classified as likely benign based on ACMG/AMP sequence variant interpretation guidelines (Richards et al. 2015 PMID: 25741868, with internal and published modifications).

NM_019892.6(INPP5E):c.-32C>A

Gene: INPP5E (inositol polyphosphate-5-phosphatase E; minus strand). Cytogenetic location: 9q34.3.
Variant type: single nucleotide variant.
Coding change: c.-32C>A on transcript NM_019892.6 (MANE Select); 32 bases upstream of the start codon, C replaced by A.
Molecular consequence: 5 prime UTR variant.
Genome position (GRCh38, 1-based): chr9:136,439,451, G>T on the plus strand (C>A on the coding strand, the complement: INPP5E is on the minus strand). VCF-style: chr9-136439451-G-T. GRCh37 (hg19) VCF-style: chr9-139333903-G-T.
Other names: c.-32C>A (NM_001318502.2).
Identifiers: ClinVar variation 3353548 (VCV003353548.1).